The following is an entry in ClinVar:

ClinVar aggregate classification (germline): Uncertain significance (1 of 4 stars; one submission).

Conditions:
Primary ciliary dyskinesia. Also called: Ciliary dyskinesia. Identifiers: Orphanet 244, MedGen C0008780, MONDO:0016575, HP:0012265.

Submission:

Labcorp Genetics (formerly Invitae), Labcorp
Classification: Uncertain significance for Primary ciliary dyskinesia. Last evaluated: 2022-11-08. Review status: criteria provided, single submitter. Criteria: Invitae Variant Classification Sherloc (09022015). Collection method: clinical testing. Allele origin: germline.
Comment: Advanced modeling of protein sequence and biophysical properties (such as structural, functional, and spatial information, amino acid conservation, physicochemical variation, residue mobility, and thermodynamic stability) performed at Invitae indicates that this missense variant is not expected to disrupt DNAH5 protein function. In summary, the available evidence is currently insufficient to determine the role of this variant in disease. Therefore, it has been classified as a Variant of Uncertain Significance. This variant has not been reported in the literature in individuals affected with DNAH5-related conditions. This variant is not present in population databases (gnomAD no frequency). This sequence change replaces glutamic acid, which is acidic and polar, with aspartic acid, which is acidic and polar, at codon 187 of the DNAH5 protein (p.Glu187Asp).

NM_001369.3(DNAH5):c.561G>C (p.Glu187Asp)

Gene: DNAH5 (dynein axonemal heavy chain 5; minus strand). Cytogenetic location: 5p15.2.
Variant type: single nucleotide variant.
Coding change: c.561G>C on transcript NM_001369.3 (MANE Select); coding-DNA position 561, G replaced by C.
Protein change: p.Glu187Asp; replaces glutamic acid 187 with aspartic acid.
Molecular consequence: missense variant.
Genome position (GRCh38, 1-based): chr5:13,922,206, C>G on the plus strand (G>C on the coding strand, the complement: DNAH5 is on the minus strand). VCF-style: chr5-13922206-C-G. GRCh37 (hg19) VCF-style: chr5-13922315-C-G.
Other names: short protein forms E187D.
Identifiers: ClinVar variation 1942730 (VCV001942730.5), dbSNP rs2547155970, ClinGen allele CA359222652.